The following is an entry in ClinVar:

NM_006231.4(POLE):c.5901G>A (p.Ala1967=)

Gene: POLE (DNA polymerase epsilon, catalytic subunit; minus strand). Cytogenetic location: 12q24.33.
Variant type: single nucleotide variant.
Coding change: c.5901G>A on transcript NM_006231.4 (MANE Select); coding-DNA position 5901, G replaced by A.
Protein change: p.Ala1967=; no amino-acid change (alanine 1967 retained).
Molecular consequence: synonymous variant.
Genome position (GRCh38, 1-based): chr12:132,634,289, C>T on the plus strand (G>A on the coding strand, the complement: POLE is on the minus strand). VCF-style: chr12-132634289-C-T. GRCh37 (hg19) VCF-style: chr12-133210875-C-T.
Identifiers: ClinVar variation 473773 (VCV000473773.27), dbSNP rs200474862, ClinGen allele CA6892342.

ClinVar aggregate classification (germline): Likely benign. Review status: criteria provided, multiple submitters, no conflicts (2 of 4 stars). 6 submissions from 6 submitters: Likely benign (5). 1 of the submissions does not count toward it. Last evaluated 2026-01-31.

Conditions:
Familial colorectal cancer type X. Identifiers: Orphanet 440437, MedGen C3896578, MONDO:0018604.
Polymerase proofreading-related adenomatous polyposis. Also called: Polymerase proofreading associated polyposis; Polymerase proofreading–associated polyposis (PPAP). Identifiers: Orphanet 447877, MedGen C5202613, MONDO:0018653.
POLE-related disorder. Also called: POLE-related disorders; POLE-related condition.
Hereditary cancer-predisposing syndrome. Also called: Neoplastic Syndromes, Hereditary; Tumor predisposition; Hereditary Cancer Syndrome; Hereditary neoplastic syndrome. Identifiers: Orphanet 140162, MedGen C0027672, MeSH D009386, MONDO:0015356.

Allele frequency attached by ClinVar (database versions not stated): gnomAD 0.00001 and 0.00003; TOPMed 0.00002; gnomAD exomes 0.00004 and 0.00009; ESP Exome Variant Server 0.00008; ExAC 0.00010; 1000 Genomes Project 30x 0.00016; 1000 Genomes Project 0.00020.
gnomAD v4.1: 72 of 1,614,202 alleles (0.0045%); highest among the groups gnomAD compares: South Asian, 0.02%; no homozygotes.

Submissions (6):

Labcorp Genetics (formerly Invitae), Labcorp
Classification: Likely benign. Last evaluated: 2026-01-31. Review status: criteria provided, single submitter. Criteria: Invitae Variant Classification Sherloc (09022015). Collection method: clinical testing. Allele origin: germline.

Center for Genomic Medicine, Rigshospitalet, Copenhagen University Hospital
Classification: Likely benign. Last evaluated: 2025-03-04. Review status: criteria provided, single submitter. Criteria: ACMG Guidelines, 2015. Collection method: clinical testing. Allele origin: germline.

Department of Pathology and Laboratory Medicine, Sinai Health System
Classification: Likely benign for Polymerase proofreading-related adenomatous polyposis; Familial colorectal cancer type X. Last evaluated: 2022-07-13. Review status: criteria provided, single submitter. Criteria: ACMG Guidelines, 2015. Collection method: clinical testing. Allele origin: germline. Affected: yes.

GeneDx
Classification: Likely benign. Last evaluated: 2019-04-22. Review status: criteria provided, single submitter. Criteria: GeneDx Variant Classification Process June 2021. Collection method: clinical testing. Allele origin: germline. Affected: yes.

Ambry Genetics
Classification: Likely benign for Hereditary cancer-predisposing syndrome. Last evaluated: 2016-08-25. Review status: criteria provided, single submitter. Criteria: Ambry Variant Classification Scheme 2023. Collection method: clinical testing. Allele origin: germline.

PreventionGenetics, part of Exact Sciences
Classification: Likely benign for POLE-related condition. Last evaluated: 2020-01-13. Review status: no assertion criteria provided. Collection method: clinical testing. Allele origin: germline. Not counted in ClinVar's aggregate classification.
Comment: This variant is classified as likely benign based on ACMG/AMP sequence variant interpretation guidelines (Richards et al. 2015 PMID: 25741868, with internal and published modifications).